The following is an entry in ClinVar:

NM_024514.5(CYP2R1):c.1322T>C (p.Phe441Ser)

Genes: CYP2R1 (cytochrome P450 family 2 subfamily R member 1; minus strand), PDE3B (phosphodiesterase 3B; plus strand). Cytogenetic location: 11p15.2.
Variant type: single nucleotide variant.
Coding change: c.1322T>C on transcript NM_024514.5 (MANE Select); coding-DNA position 1322, T replaced by C.
Protein change: p.Phe441Ser; replaces phenylalanine 441 with serine.
Molecular consequence: missense variant. On other transcripts: non-coding transcript variant (12).
Genome position (GRCh38, 1-based): chr11:14,879,122, A>G on the plus strand (T>C on the coding strand, the complement: CYP2R1 is on the minus strand). VCF-style: chr11-14879122-A-G. GRCh37 (hg19) VCF-style: chr11-14900668-A-G.
Other names: c.977T>C, p.Phe326Ser (NM_001377214.1, NM_001377215.1, NM_001377216.1 and 5 more transcripts); c.1160T>C, p.Phe387Ser (NM_001377217.1); c.1322T>C (NM_024514.4); c.623T>C, p.Phe208Ser (NM_001400562.1, NM_001400563.1, NM_001400564.1 and 1 more transcripts); c.344T>C, p.Phe115Ser (NM_001400566.1); c.1178T>C, p.Phe393Ser (NM_001400567.1); c.1277T>C, p.Phe426Ser (NM_001400568.1); short protein forms F326S, F115S, F208S, F393S, F387S, F441S, F426S.
Identifiers: ClinVar variation 3016792 (VCV003016792.4), dbSNP rs894024346, ClinGen allele CA217921009.

ClinVar aggregate classification (germline): Uncertain significance. Review status: criteria provided, multiple submitters, no conflicts (2 of 4 stars). 2 submissions from 2 submitters: Uncertain significance (2). Last evaluated 2024-08-14.

Allele frequency attached by ClinVar (database versions not stated): gnomAD exomes 0.00001.
gnomAD v4.1: 14 of 1,612,834 alleles (0.00087%); highest among the groups gnomAD compares: Non-Finnish European, 0.0011%; no homozygotes.

Submissions (2):

Ambry Genetics
Classification: Uncertain significance. Last evaluated: 2024-08-14. Review status: criteria provided, single submitter. Criteria: Ambry Variant Classification Scheme 2023. Collection method: clinical testing. Allele origin: germline.

Labcorp Genetics (formerly Invitae), Labcorp
Classification: Uncertain significance. Last evaluated: 2023-07-27. Review status: criteria provided, single submitter. Criteria: Invitae Variant Classification Sherloc (09022015). Collection method: clinical testing. Allele origin: germline.
Comment: In summary, the available evidence is currently insufficient to determine the role of this variant in disease. Therefore, it has been classified as a Variant of Uncertain Significance. An algorithm developed to predict the effect of missense changes on protein structure and function (PolyPhen-2) suggests that this variant is likely to be disruptive. This variant has not been reported in the literature in individuals affected with CYP2R1-related conditions. This variant is not present in population databases (gnomAD no frequency). This sequence change replaces phenylalanine, which is neutral and non-polar, with serine, which is neutral and polar, at codon 441 of the CYP2R1 protein (p.Phe441Ser).